The following is an entry in ClinVar:

NM_004070.4(CLCNKA):c.1283C>T (p.Pro428Leu)

Genes: CLCNKA (chloride voltage-gated channel Ka; plus strand), LOC106501712 (CLCNKA recombination region; plus strand). Cytogenetic location: 1p36.13.
Variant type: single nucleotide variant.
Coding change: c.1283C>T on transcript NM_004070.4 (MANE Select); coding-DNA position 1283, C replaced by T.
Protein change: p.Pro428Leu; replaces proline 428 with leucine.
Molecular consequence: missense variant.
Genome position (GRCh38, 1-based): chr1:16,029,786, C>T. VCF-style: chr1-16029786-C-T. GRCh37 (hg19) VCF-style: chr1-16356281-C-T.
Other names: c.1283C>T, p.Pro428Leu (NM_001042704.2); c.1154C>T, p.Pro385Leu (NM_001257139.2); short protein forms P385L, P428L.
Identifiers: ClinVar variation 3902776 (VCV003902776.1).

ClinVar aggregate classification (germline): Uncertain significance (1 of 4 stars; one submission).

gnomAD v4.1: 5 of 1,613,998 alleles (0.00031%); highest among the groups gnomAD compares: Admixed American, 0.0017%; no homozygotes.

Submission:

Women's Health and Genetics/Laboratory Corporation of America, LabCorp
Classification: Uncertain significance. Last evaluated: 2025-05-21. Review status: criteria provided, single submitter. Criteria: LabCorp Variant Classification Summary - May 2015. Collection method: clinical testing. Allele origin: germline.
Comment: Variant summary: CLCNKA c.1283C>T (p.Pro428Leu) results in a non-conservative amino acid change in the encoded protein sequence. Algorithms developed to predict the effect of missense changes on protein structure and function all suggest that this variant is likely to be disruptive. The variant was absent in 251482 control chromosomes. The available data on variant occurrences in the general population are insufficient to allow any conclusion about variant significance. To our knowledge, no occurrence of c.1283C>T in individuals affected with Bartter Syndrome, Type 4b and no experimental evidence demonstrating its impact on protein function have been reported. No submitters have cited clinical-significance assessments for this variant to ClinVar. Based on the evidence outlined above, the variant was classified as uncertain significance.